The following is an entry in ClinVar:

ClinVar aggregate classification (germline): Uncertain significance (1 of 4 stars; one submission).

Conditions:
Cardiovascular phenotype. Identifiers: MedGen CN230736.

gnomAD v4.1: 2 of 1,607,580 alleles (0.00012%); highest among the groups gnomAD compares: Admixed American, 0.0017%; no homozygotes.

Submission:

Ambry Genetics
Classification: Uncertain significance for Cardiovascular phenotype. Last evaluated: 2024-08-19. Review status: criteria provided, single submitter. Criteria: Ambry Variant Classification Scheme 2023. Collection method: clinical testing. Allele origin: germline.
Comment: The p.G588D variant (also known as c.1763G>A) is located in coding exon 13 of the ABCG5 gene. The glycine at codon 588 is replaced by aspartic acid, an amino acid with similar properties. This change occurs in the first base pair of coding exon 13. This amino acid position is conserved. In addition, the in silico prediction for this alteration is inconclusive. Based on the available evidence, the clinical significance of this variant remains unclear.

NM_022436.3(ABCG5):c.1763G>A (p.Gly588Asp)

Genes: ABCG5 (ATP binding cassette subfamily G member 5; minus strand), DYNC2LI1 (dynein cytoplasmic 2 light intermediate chain 1; plus strand). Cytogenetic location: 2p21.
Variant type: single nucleotide variant.
Coding change: c.1763G>A on transcript NM_022436.3 (MANE Select); coding-DNA position 1763, G replaced by A.
Protein change: p.Gly588Asp; replaces glycine 588 with aspartic acid.
Molecular consequence: missense variant. On other transcripts: intron variant (2).
Genome position (GRCh38, 1-based): chr2:43,813,309, C>T on the plus strand (G>A on the coding strand, the complement: ABCG5 is on the minus strand). VCF-style: chr2-43813309-C-T. GRCh37 (hg19) VCF-style: chr2-44040448-C-T.
Other names: c.*15+2785C>T (NM_001348913.2, NM_001348912.2); short protein forms G588D.
Identifiers: ClinVar variation 3415558 (VCV003415558.1).
Genomic context (GRCh38, chr2:43,813,309, plus strand): 5'-AATTGAATTCCTTGAGTGAAGGCACACATTGGATTAGTTGTCACAGAAACATTTGAGCTG[C>T]CTGTCAAGGAAAAGATTGACAGTGTCAGGTGTGGTTTATCTCAGGTAATTTAATCAACAA-3'
Protein context (NP_071881.1, residues 578-598): NEFYGLNFTC[Gly588Asp]SSNVSVTTNP